The following is an entry in ClinVar:

ClinVar aggregate classification (germline): Conflicting classifications of pathogenicity. Review status: criteria provided, conflicting classifications (1 of 4 stars). 3 submissions from 3 submitters: Uncertain significance (1); Likely benign (1). 1 of the submissions does not count toward it. Last evaluated 2025-07-10.

Allele frequency attached by ClinVar (database versions not stated): gnomAD exomes below 0.00001; gnomAD 0.00001.

Submissions (3):

ARUP Laboratories, Molecular Genetics and Genomics, ARUP Laboratories
Classification: Likely benign. Last evaluated: 2025-07-10. Review status: criteria provided, single submitter. Criteria: ARUP Molecular Germline Variant Investigation Process 2024. Collection method: clinical testing. Allele origin: germline.
Comment: The Hb Rambam variant (HBB: c.209G>A; p.Gly70Asp, also known as Gly69Asp when numbered from the mature protein, HbVar ID: 376, rs34718174, ClinVar ID: 15226) has been reported in multiple heterozygous individuals with no associated clinical symptoms (Bisse 1998, HbVar database and references therein). It has also been found in-trans with a pathogenic HBB variant in individuals, but did not contribute to their clinical symptoms (Plaseska-Karanfilska 2000). This variant is only observed on one allele in the Genome Aggregation Database (v2.1.1), indicating it is not a common polymorphism. Computational analyses are uncertain whether this variant is neutral or deleterious (REVEL:0.564). Based on the above information, the variant is considered likely benign. References: Link to HbVar database: Bisse E et al. Hemoglobin Rambam (beta69(E13)Gly-->Asp), a pitfall in the assessment of diabetic control: characterization by electrospray mass spectrometry and HPLC. Clin Chem. 1998 Oct;44(10):2172-7. PMID: 9761252. Plaseska-Karanfilska D, de Weinstein BI, Efremov GD. Hb Rambam (beta69(E13)Gly-->Asp)/beta0-thalassemia (codon 5 (-CT)) in a family from Argentina. Hemoglobin. 2000 May;24(2):157-61. PMID: 10870889.

Quest Diagnostics Nichols Institute San Juan Capistrano
Classification: Uncertain significance. Last evaluated: 2024-12-24. Review status: criteria provided, single submitter. Criteria: Quest Diagnostics criteria. Collection method: clinical testing. Allele origin: unknown.
Comment: The HBB c.209G>A (p.Gly70Asp) variant (also known as Hb Rambam, Hb J Cambridge, or Gly69Asp) has been reported in the published literature in an individual with mild anemia and low MCV, but otherwise in good health who also carried an HBB pathogenic variant (PMID: 10870889 (2000)), in individuals without a clinical phenotype (PMID: 6048303 (1967)), and in a reportedly healthy, homozygous individual (PMID: 24099628 (2014)). The frequency of this variant in the general population (Genome Aggregation Database) is uninformative in the assessment of its pathogenicity. Analysis of this variant using bioinformatics tools for the prediction of the effect of amino acid changes on protein structure and function yielded conflicting predictions that this variant is deleterious or benign. Based on the available information, we are unable to determine the clinical significance of this variant.

OMIM
Classification: Pathogenic for HEMOGLOBIN J (RAMBAM). Last evaluated: 2000-05-01. Review status: no assertion criteria provided. Collection method: literature only. Allele origin: germline. Not counted in ClinVar's aggregate classification.

Literature cited by the submitters: PubMed 24099628 (cited by Quest Diagnostics Nichols Institute San Juan Capistrano); PubMed 38504512 (cited by Quest Diagnostics Nichols Institute San Juan Capistrano); PubMed 6048303 (cited by Quest Diagnostics Nichols Institute San Juan Capistrano and OMIM); PubMed 9761252 (cited by Quest Diagnostics Nichols Institute San Juan Capistrano); PubMed 5856126 (cited by Quest Diagnostics Nichols Institute San Juan Capistrano and OMIM); PubMed 10870889 (cited by Quest Diagnostics Nichols Institute San Juan Capistrano and OMIM).

NM_000518.5(HBB):c.209G>A (p.Gly70Asp)

Genes: HBB (hemoglobin subunit beta; minus strand), LOC106099062 (HBB recombination region; plus strand), LOC107133510 (origin of replication at HBB; plus strand). Cytogenetic location: 11p15.4.
Variant type: single nucleotide variant.
Coding change: c.209G>A on transcript NM_000518.5 (MANE Select); coding-DNA position 209, G replaced by A.
Protein change: p.Gly70Asp; replaces glycine 70 with aspartic acid.
Molecular consequence: missense variant.
Genome position (GRCh38, 1-based): chr11:5,226,683, C>T on the plus strand (G>A on the coding strand, the complement: HBB is on the minus strand). VCF-style: chr11-5226683-C-T. GRCh37 (hg19) VCF-style: chr11-5247913-C-T.
Other names: G69D; Hb Rambam; Hb J-Cambridge; short protein forms G70D.
Identifiers: ClinVar variation 15226 (VCV000015226.14), dbSNP rs34718174, ClinGen allele CA124961.
Genomic context (GRCh38, chr11:5,226,683, plus strand): 5'-CTCAGTGTGGCAAAGGTGCCCTTGAGGTTGTCCAGGTGAGCCAGGCCATCACTAAAGGCA[C>T]CGAGCACTTTCTTGCCATGAGCCTTCACCTTAGGGTTGCCCATAACAGCATCAGGAGTGG-3'
Protein context (NP_000509.1, residues 60-80): KVKAHGKKVL[Gly70Asp]AFSDGLAHLD